The following is an entry in ClinVar:

NM_001127222.2(CACNA1A):c.6888C>G (p.His2296Gln)

Gene: CACNA1A (calcium voltage-gated channel subunit alpha1 A; minus strand). Cytogenetic location: 19p13.13.
Variant type: single nucleotide variant.
Coding change: c.6888C>G on transcript NM_001127222.2 (MANE Select); coding-DNA position 6888, C replaced by G.
Protein change: p.His2296Gln; replaces histidine 2296 with glutamine.
Molecular consequence: missense variant. On other transcripts: 3 prime UTR variant (3).
Genome position (GRCh38, 1-based): chr19:13,207,946, G>C on the plus strand (C>G on the coding strand, the complement: CACNA1A is on the minus strand). VCF-style: chr19-13207946-G-C. GRCh37 (hg19) VCF-style: chr19-13318760-G-C.
Other names: c.*100C>G (NM_000068.4, NM_001127221.2, NM_001174080.2); c.6906C>G, p.His2302Gln (NM_023035.3); short protein forms H2296Q, H2302Q.
Identifiers: ClinVar variation 4886085 (VCV004886085.2).
Genomic context (GRCh38, chr19:13,207,946, plus strand): 5'-CTGCTGCTGCTGCGGGGGCCCCGAGCCGCCGGCCTTACGGATCACAGGGGAATAGGACAC[G>C]TGTGGCCGGGGGGTGGAGGGGGTCTGGGGGAGCTGGCGGCGGCCCCGCCGCGGAGTGCTG-3'
Protein context (NP_001120694.1, residues 2286-2306): LPQTPSTPRP[His2296Gln]VSYSPVIRKA

ClinVar aggregate classification (germline): Uncertain significance (1 of 4 stars; one submission).

gnomAD v4.1: 1 of 1,385,088 alleles (0.000072%); highest among the groups gnomAD compares: South Asian, 0.0017%; no homozygotes.

Submission:

Dasa
Classification: Uncertain significance. Last evaluated: 2024-08-14. Review status: criteria provided, single submitter. Criteria: DASA Assertion Criteria. Collection method: clinical testing. Allele origin: germline.
Comment: NM_001127222.2(CACNA1A):c.6888C>G (p.His2296Gln) is a missense variant that results in the substitution of histidine with glutamine. This variant is rare in population databases. Computational prediction algorithms are consistent with a deleterious effect. The currently available literature and clinical evidence are not sufficient to establish a definitive association between this variant and the reported condition. Therefore, this variant is classified as a variant of uncertain significance.